The following is an entry in ClinVar:

NM_001220.5(CAMK2B):c.648C>T (p.Asp216=)

Gene: CAMK2B (calcium/calmodulin dependent protein kinase II beta; minus strand). Cytogenetic location: 7p13.
Variant type: single nucleotide variant.
Coding change: c.648C>T on transcript NM_001220.5 (MANE Select); coding-DNA position 648, C replaced by T.
Protein change: p.Asp216=; no amino-acid change (aspartic acid 216 retained).
Molecular consequence: synonymous variant.
Genome position (GRCh38, 1-based): chr7:44,242,608, G>A on the plus strand (C>T on the coding strand, the complement: CAMK2B is on the minus strand). VCF-style: chr7-44242608-G-A. GRCh37 (hg19) VCF-style: chr7-44282207-G-A.
Other names: c.648C>T, p.Asp216= (NM_001293170.2, NM_172078.3, NM_172079.3 and 5 more transcripts).
Identifiers: ClinVar variation 2657428 (VCV002657428.26), dbSNP rs773815200, ClinGen allele CA4240636.
Genomic context (GRCh38, chr7:44,242,608, plus strand): 5'-TGGTGCACTCACGTCATAGGCACCAGCCTTGATCTGCTGGTACAGCTTGTGCTGGTCCTC[G>A]TCCCAGAAGGGTGGGTAGCCCACGAGCAGGATGTACAGGATCACCCCTGCGGATGGGGCC-3'
Protein context (NP_001211.3, residues 206-226): ILLVGYPPFW[Asp216=]EDQHKLYQQI

ClinVar aggregate classification (germline): Likely benign. Review status: criteria provided, multiple submitters, no conflicts (2 of 4 stars). 2 submissions from 2 submitters: Likely benign (2). Last evaluated 2024-08-06.

Allele frequency attached by ClinVar (database versions not stated): gnomAD exomes 0.00001; ExAC 0.00002; TOPMed 0.00002; gnomAD 0.00003.
gnomAD v4.1: 20 of 1,612,296 alleles (0.0012%); highest among the groups gnomAD compares: Admixed American, 0.0033%; no homozygotes.

Submissions (2):

Labcorp Genetics (formerly Invitae), Labcorp
Classification: Likely benign. Last evaluated: 2024-08-06. Review status: criteria provided, single submitter. Criteria: Invitae Variant Classification Sherloc (09022015). Collection method: clinical testing. Allele origin: germline.

CeGaT Center for Human Genetics Tuebingen
Classification: Likely benign. Last evaluated: 2022-04-01. Review status: criteria provided, single submitter. Criteria: CeGaT Center For Human Genetics Tuebingen Variant Classification Criteria Version 2. Collection method: clinical testing. Allele origin: germline. Affected: yes. Observed: 1 variant allele.
Comment: CAMK2B: BP4, BP7